The following is an entry in ClinVar:

ClinVar aggregate classification (germline): Uncertain significance. Review status: criteria provided, multiple submitters, no conflicts (2 of 4 stars). 3 submissions from 3 submitters: Uncertain significance (3). Last evaluated 2024-12-11.

Conditions:
Inborn genetic diseases. Identifiers: MedGen C0950123, MeSH D030342.

Allele frequency attached by ClinVar (database versions not stated): TOPMed 0.00002.
gnomAD v4.1: 70 of 1,613,964 alleles (0.0043%); highest among the groups gnomAD compares: South Asian, 0.046%; 1 homozygote.

Submissions (3):

Ambry Genetics
Classification: Uncertain significance for Inborn genetic diseases. Last evaluated: 2024-12-11. Review status: criteria provided, single submitter. Criteria: Ambry Variant Classification Scheme 2023. Collection method: clinical testing. Allele origin: germline.

Revvity Omics, Revvity
Classification: Uncertain significance. Last evaluated: 2022-11-22. Review status: criteria provided, single submitter. Criteria: ACMG Guidelines, 2015. Collection method: clinical testing. Allele origin: germline.

Labcorp Genetics (formerly Invitae), Labcorp
Classification: Uncertain significance. Last evaluated: 2021-08-28. Review status: criteria provided, single submitter. Criteria: Invitae Variant Classification Sherloc (09022015). Collection method: clinical testing. Allele origin: germline.
Comment: This sequence change replaces arginine with cysteine at codon 267 of the IHH protein (p.Arg267Cys). The arginine residue is moderately conserved and there is a large physicochemical difference between arginine and cysteine. This variant is present in population databases (rs748379688, ExAC 0.02%). This variant has not been reported in the literature in individuals affected with IHH-related conditions. Algorithms developed to predict the effect of missense changes on protein structure and function are either unavailable or do not agree on the potential impact of this missense change (SIFT: "Deleterious"; PolyPhen-2: "Possibly Damaging"; Align-GVGD: "Class C15"). In summary, the available evidence is currently insufficient to determine the role of this variant in disease. Therefore, it has been classified as a Variant of Uncertain Significance.

NM_002181.4(IHH):c.799C>T (p.Arg267Cys)

Gene: IHH (Indian hedgehog signaling molecule; minus strand). Cytogenetic location: 2q35.
Variant type: single nucleotide variant.
Coding change: c.799C>T on transcript NM_002181.4 (MANE Select); coding-DNA position 799, C replaced by T.
Protein change: p.Arg267Cys; replaces arginine 267 with cysteine.
Molecular consequence: missense variant.
Genome position (GRCh38, 1-based): chr2:219,055,644, G>A on the plus strand (C>T on the coding strand, the complement: IHH is on the minus strand). VCF-style: chr2-219055644-G-A. GRCh37 (hg19) VCF-style: chr2-219920366-G-A.
Other names: c.799C>T (NM_002181.3); short protein forms R267C.
Identifiers: ClinVar variation 1034773 (VCV001034773.6), dbSNP rs748379688, ClinGen allele CA2116602.